The following is an entry in ClinVar:

NM_024678.6(NARS2):c.1252_1253insTAAG (p.Arg418fs)

Gene: NARS2 (asparaginyl-tRNA synthetase 2, mitochondrial; minus strand). Cytogenetic location: 11q14.1.
Variant type: Insertion.
Coding change: c.1252_1253insTAAG on transcript NM_024678.6 (MANE Select); coding-DNA positions 1252 to 1253, TAAG inserted.
Protein change: p.Arg418fs; shifts the reading frame from arginine 418.
Molecular consequence: frameshift variant.
Genome position: GRCh38 VCF-style: chr11-78443670-C-CCTTA. GRCh37 (hg19) VCF-style: chr11-78154716-C-CCTTA.
Other names: c.571_572insTAAG, p.Arg191fs (NM_001243251.2); short protein forms R191fs, R418fs.
Identifiers: ClinVar variation 1393599 (VCV001393599.6), dbSNP rs2135141043, ClinGen allele CA2573147701.
Genomic context (GRCh38, chr11:78,443,670, plus strand): 5'-GCGCCTTATGCTCAATTTCTCAATTGTGTTTCTTTTAGGTCTGACCAGTACCTGGCTAAG[C>CCTTA]GCTCCTCTAAGAAATGGTATCGTTCTTCTCTGAGGCCTCCTCCAAAGAGTTCCCCAACTC-3'

ClinVar aggregate classification (germline): Uncertain significance (1 of 4 stars; one submission).

Allele frequency attached by ClinVar (database versions not stated): gnomAD exomes below 0.00001.

Submission:

Labcorp Genetics (formerly Invitae), Labcorp
Classification: Uncertain significance. Last evaluated: 2024-06-10. Review status: criteria provided, single submitter. Criteria: Invitae Variant Classification Sherloc (09022015). Collection method: clinical testing. Allele origin: germline.
Comment: This sequence change creates a premature translational stop signal (p.Arg418Leufs*34) in the NARS2 gene. While this is not anticipated to result in nonsense mediated decay, it is expected to disrupt the last 60 amino acid(s) of the NARS2 protein. This variant is not present in population databases (gnomAD no frequency). This variant has not been reported in the literature in individuals affected with NARS2-related conditions. ClinVar contains an entry for this variant (Variation ID: 1393599). This variant disrupts a region of the NARS2 protein in which other variant(s) (p.Arg418His) have been observed in individuals with NARS2-related conditions (PMID: 31665838). This suggests that this is a clinically significant region of the protein, and that variants that disrupt it are likely to be disease-causing. In summary, the available evidence is currently insufficient to determine the role of this variant in disease. Therefore, it has been classified as a Variant of Uncertain Significance.

Literature cited by the submitters: PubMed 31665838.